The following is an entry in ClinVar:

ClinVar aggregate classification (germline): Conflicting classifications of pathogenicity. Review status: criteria provided, conflicting classifications (1 of 4 stars). 6 submissions from 6 submitters: Uncertain significance (5); Likely benign (1). Last evaluated 2025-12-18.

Conditions:
OPA1-related disorder. Also called: OPA1-related disorders; OPA1-related condition.

Allele frequency attached by ClinVar (database versions not stated): ExAC 0.00002; gnomAD exomes 0.00002.
gnomAD v4.1: 18 of 1,613,960 alleles (0.0011%); highest among the groups gnomAD compares: South Asian, 0.019%; no homozygotes.

Submissions (6):

PreventionGenetics, part of Exact Sciences
Classification: Uncertain significance for OPA1-related condition. Last evaluated: 2025-12-18. Review status: criteria provided, single submitter. Criteria: ACMG Guidelines, 2015. Collection method: clinical testing. Allele origin: germline.
Comment: The OPA1 c.706C>A variant is predicted to result in the amino acid substitution p.Gln236Lys. This variant is deep intronic in transcript NM_015560: c.625-5493C>A. To our knowledge, this variant has not been reported in the literature. This variant is present in 0.013% of alleles in individuals of South Asian descent in gnomAD. At this time, the clinical significance of this variant is uncertain due to the absence of conclusive functional and genetic evidence.

CeGaT Center for Human Genetics Tuebingen
Classification: Uncertain significance. Last evaluated: 2024-12-01. Review status: criteria provided, single submitter. Criteria: CeGaT Center For Human Genetics Tuebingen Variant Classification Criteria Version 2. Collection method: clinical testing. Allele origin: germline. Affected: yes. Observed: 1 variant allele.

Labcorp Genetics (formerly Invitae), Labcorp
Classification: Likely benign. Last evaluated: 2024-08-02. Review status: criteria provided, single submitter. Criteria: Invitae Variant Classification Sherloc (09022015). Collection method: clinical testing. Allele origin: germline.

Blueprint Genetics
Classification: Uncertain significance. Last evaluated: 2024-02-21. Review status: criteria provided, single submitter. Criteria: ACMG Guidelines, 2015. Collection method: clinical testing. Allele origin: germline.

Athena Diagnostics
Classification: Uncertain significance. Last evaluated: 2018-02-26. Review status: criteria provided, single submitter. Criteria: Athena Diagnostics Criteria. Collection method: clinical testing. Allele origin: germline.

Breakthrough Genomics
Classification: Uncertain significance. Review status: criteria provided, single submitter. Criteria: ACMG Guidelines, 2015. Collection method: not provided. Allele origin: germline. Inheritance: Autosomal recessive inheritance. Affected: yes.

NM_130837.3(OPA1):c.706C>A (p.Gln236Lys)

Genes: OPA1 (OPA1 mitochondrial dynamin like GTPase; plus strand), OPA1-AS1 (OPA1 antisense RNA 1; minus strand). Cytogenetic location: 3q29.
Variant type: single nucleotide variant.
Coding change: c.706C>A on transcript NM_130837.3 (MANE Select); coding-DNA position 706, C replaced by A.
Protein change: p.Gln236Lys; replaces glutamine 236 with lysine.
Molecular consequence: missense variant. On other transcripts: intron variant (5).
Genome position (GRCh38, 1-based): chr3:193,626,119, C>A. VCF-style: chr3-193626119-C-A. GRCh37 (hg19) VCF-style: chr3-193343908-C-A.
Other names: c.172C>A, p.Gln58Lys (NM_001354663.2); c.544C>A, p.Gln182Lys (NM_130833.3); c.598C>A, p.Gln200Lys (NM_130835.3); c.652C>A, p.Gln218Lys (NM_130836.3); c.253-5493C>A (NM_001354664.2); c.679-5493C>A (NM_130834.3); c.625-5493C>A (NM_015560.3); c.571-5493C>A (NM_130832.3); and 1 more; short protein forms Q236K, Q182K, Q200K, Q218K, Q58K.
Identifiers: ClinVar variation 586199 (VCV000586199.20), dbSNP rs779375399, ClinGen allele CA2759120.